The following is an entry in ClinVar:

ClinVar aggregate classification (germline): Uncertain significance (1 of 4 stars; one submission).

Conditions:
Inborn genetic diseases. Identifiers: MedGen C0950123, MeSH D030342.

Submission:

Ambry Genetics
Classification: Uncertain significance for Inborn genetic diseases. Last evaluated: 2026-04-28. Review status: criteria provided, single submitter. Criteria: Ambry Variant Classification Scheme 2023. Collection method: clinical testing. Allele origin: germline.
Comment: The p.D77Y variant (also known as c.229G>T), located in coding exon 2 of the HAX1 gene, results from a G to T substitution at nucleotide position 229. The aspartic acid at codon 77 is replaced by tyrosine, an amino acid with highly dissimilar properties. This amino acid position is conserved. In addition, this alteration is predicted to be tolerated by in silico analysis. Based on the available evidence, the clinical significance of this variant remains unclear.

NM_006118.4(HAX1):c.229G>T (p.Asp77Tyr)

Gene: HAX1 (HCLS1 associated protein X-1; plus strand). Cytogenetic location: 1q21.3.
Variant type: single nucleotide variant.
Coding change: c.229G>T on transcript NM_006118.4 (MANE Select); coding-DNA position 229, G replaced by T.
Protein change: p.Asp77Tyr; replaces aspartic acid 77 with tyrosine.
Molecular consequence: missense variant.
Genome position (GRCh38, 1-based): chr1:154,273,511, G>T. VCF-style: chr1-154273511-G-T. GRCh37 (hg19) VCF-style: chr1-154245987-G-T.
Other names: c.85G>T, p.Asp29Tyr (NM_001018837.2); short protein forms D29Y, D77Y.
Identifiers: ClinVar variation 4858273 (VCV004858273.1).